The following is an entry in ClinVar:

ClinVar aggregate classification (germline): Uncertain significance (1 of 4 stars; one submission).

Conditions:
Dyskeratosis congenita, autosomal dominant 2. Identifiers: MedGen C3151443, MONDO:0013521, OMIM 613989.
Idiopathic Pulmonary Fibrosis. Also called: Idiopathic fibrosing alveolitis, chronic form; idiopathic fibrosing alveolitis. Identifiers: Orphanet 2032, MedGen C1800706, MeSH D054990, MONDO:0800504.

gnomAD v4.1: 1 of 1,614,154 alleles (0.000062%); highest among the groups gnomAD compares: Non-Finnish European, 0.000085%; no homozygotes.

Submission:

Labcorp Genetics (formerly Invitae), Labcorp
Classification: Uncertain significance for Dyskeratosis congenita, autosomal dominant 2; Idiopathic Pulmonary Fibrosis. Last evaluated: 2022-10-04. Review status: criteria provided, single submitter. Criteria: Invitae Variant Classification Sherloc (09022015). Collection method: clinical testing. Allele origin: germline.
Comment: This sequence change replaces alanine, which is neutral and non-polar, with serine, which is neutral and polar, at codon 751 of the TERT protein (p.Ala751Ser). This variant is not present in population databases (gnomAD no frequency). This variant has not been reported in the literature in individuals affected with TERT-related conditions. Algorithms developed to predict the effect of missense changes on protein structure and function output the following: SIFT: "Tolerated"; PolyPhen-2: "Benign"; Align-GVGD: "Class C0". The serine amino acid residue is found in multiple mammalian species, which suggests that this missense change does not adversely affect protein function. In summary, the available evidence is currently insufficient to determine the role of this variant in disease. Therefore, it has been classified as a Variant of Uncertain Significance.

NM_198253.3(TERT):c.2251G>T (p.Ala751Ser)

Gene: TERT (telomerase reverse transcriptase; minus strand). Cytogenetic location: 5p15.33.
Variant type: single nucleotide variant.
Coding change: c.2251G>T on transcript NM_198253.3 (MANE Select); coding-DNA position 2251, G replaced by T.
Protein change: p.Ala751Ser; replaces alanine 751 with serine.
Molecular consequence: missense variant. On other transcripts: non-coding transcript variant (2).
Genome position (GRCh38, 1-based): chr5:1,278,676, C>A on the plus strand (G>T on the coding strand, the complement: TERT is on the minus strand). VCF-style: chr5-1278676-C-A. GRCh37 (hg19) VCF-style: chr5-1278791-C-A.
Other names: c.2251G>T, p.Ala751Ser (NM_001193376.3, NM_003219.1); short protein forms A751S.
Identifiers: ClinVar variation 2172038 (VCV002172038.1), dbSNP rs772070672, ClinGen allele CA359078954.
Genomic context (GRCh38, chr5:1,278,676, plus strand): 5'-CACGACTATCACACGTGAACCTTACGTGGCTCTTGAAGGCCTTGCGGACGTGCCCATGGG[C>A]GGCCTTCTGGACCACGGCATACCGACGCACGCAGTACGTGTTCTGGGGTTTGATGATGCT-3'
Protein context (NP_937983.2, residues 741-761): VRRYAVVQKA[Ala751Ser]HGHVRKAFKS